The following is an entry in ClinVar:

NM_004655.4(AXIN2):c.2313_2315delinsGTT (p.Cys771_Gly772delinsTrpLeu)

Gene: AXIN2 (axin 2; minus strand). Cytogenetic location: 17q24.1.
Variant type: Indel.
Coding change: c.2313_2315delinsGTT on transcript NM_004655.4 (MANE Select); coding-DNA positions 2313 to 2315, TGG replaced by GTT.
Protein change: p.Cys771_Gly772delinsTrpLeu.
Molecular consequence: missense variant.
Genome position (GRCh38, 1-based): chr17:65,534,002-65,534,004, CCA replaced by AAC on the plus strand (TGG replaced by GTT on the coding strand, the reverse complement: AXIN2 is on the minus strand). VCF-style: chr17-65534002-CCA-AAC. GRCh37 (hg19) VCF-style: chr17-63530120-CCA-AAC.
Other names: c.2118_2120delinsGTT, p.Cys706_Gly707delinsTrpLeu (NM_001363813.1).
Identifiers: ClinVar variation 2833361 (VCV002833361.3), dbSNP rs2509389378, ClinGen allele CA2739268318.

ClinVar aggregate classification (germline): Uncertain significance (1 of 4 stars; one submission).

Conditions:
Oligodontia-cancer predisposition syndrome. Also called: TOOTH AGENESIS-COLORECTAL CANCER SYNDROME. Identifiers: Orphanet 300576, MedGen C1837750, MONDO:0012075, OMIM 608615. Disease mechanism: loss of function.

Submission:

Labcorp Genetics (formerly Invitae), Labcorp
Classification: Uncertain significance for Oligodontia-cancer predisposition syndrome. Last evaluated: 2023-01-31. Review status: criteria provided, single submitter. Criteria: Invitae Variant Classification Sherloc (09022015). Collection method: clinical testing. Allele origin: germline.
Comment: This variant has not been reported in the literature in individuals affected with AXIN2-related conditions. This variant, c.2313_2315delinsGTT, is a complex sequence change that results in the deletion of 2 and insertion of 2 amino acid(s) in the AXIN2 protein (p.Cys771_Gly772delinsTrpLeu). Information on the frequency of this variant in the gnomAD database is not available, as this variant may be reported differently in the database. Experimental studies and prediction algorithms are not available or were not evaluated, and the functional significance of this variant is currently unknown. In summary, the available evidence is currently insufficient to determine the role of this variant in disease. Therefore, it has been classified as a Variant of Uncertain Significance.